The following is an entry in ClinVar:

ClinVar aggregate classification (germline): Uncertain significance (1 of 4 stars; one submission).

Submission:

Labcorp Genetics (formerly Invitae), Labcorp
Classification: Uncertain significance. Last evaluated: 2022-04-29. Review status: criteria provided, single submitter. Criteria: Invitae Variant Classification Sherloc (09022015). Collection method: clinical testing. Allele origin: germline.
Comment: This variant has not been reported in the literature in individuals affected with CLUAP1-related conditions. In summary, the available evidence is currently insufficient to determine the role of this variant in disease. Therefore, it has been classified as a Variant of Uncertain Significance. Algorithms developed to predict the effect of missense changes on protein structure and function are either unavailable or do not agree on the potential impact of this missense change (SIFT: "Tolerated"; PolyPhen-2: "Probably Damaging"; Align-GVGD: "Class C0"). This variant is not present in population databases (gnomAD no frequency). This sequence change replaces lysine, which is basic and polar, with glutamine, which is neutral and polar, at codon 402 of the CLUAP1 protein (p.Lys402Gln).

NM_015041.3(CLUAP1):c.1204A>C (p.Lys402Gln)

Gene: CLUAP1 (clusterin associated protein 1; plus strand). Cytogenetic location: 16p13.3.
Variant type: single nucleotide variant.
Coding change: c.1204A>C on transcript NM_015041.3 (MANE Select); coding-DNA position 1204, A replaced by C.
Protein change: p.Lys402Gln; replaces lysine 402 with glutamine.
Molecular consequence: missense variant.
Genome position (GRCh38, 1-based): chr16:3,536,233, A>C. VCF-style: chr16-3536233-A-C. GRCh37 (hg19) VCF-style: chr16-3586233-A-C.
Other names: c.1261A>C, p.Lys421Gln (NM_001330454.2); c.706A>C, p.Lys236Gln (NM_024793.3); short protein forms K236Q, K421Q, K402Q.
Identifiers: ClinVar variation 2060324 (VCV002060324.4), dbSNP rs2544024469, ClinGen allele CA394516630.